The following is an entry in ClinVar:

NC_012920.1(MT-ND5):m.13919T>C

Gene: MT-ND5 (mitochondrially encoded NADH dehydrogenase 5; plus strand).
Variant type: single nucleotide variant.
Genome position: chrM-13919-T-C.
Identifiers: ClinVar variation 693633 (VCV000693633.1), dbSNP rs1603224418, ClinGen allele CA414820097.

ClinVar aggregate classification (germline): Uncertain significance (1 of 4 stars; one submission).

Conditions:
Leigh syndrome (NULS). Also called: Leigh's necrotizing encephalopathy; Leigh's disease; Leigh's syndrome; LEIGH SYNDROME, NUCLEAR; Leigh Syndrome (mtDNA deletion); Leigh Disease. Identifiers: Orphanet 506, MedGen C2931891, MONDO:0009723, OMIM 256000.

Submission:

Wong Mito Lab, Molecular and Human Genetics, Baylor College of Medicine
Classification: Uncertain significance for Leigh syndrome. Last evaluated: 2019-10-17. Review status: criteria provided, single submitter. Criteria: Modified ACMG Guidelines (Unpublished). Collection method: clinical testing. Allele origin: germline.
Comment: The NC_012920.1:m.13919T>C (YP_003024036.1:p.Phe528Ser) variant in MTND5 gene is interpretated to be a Uncertain Significance variant based on the modified ACMG guidelines (unpublished). This variant meets the following evidence codes: PP7